The following is an entry in ClinVar:

ClinVar aggregate classification (germline): Uncertain significance. Review status: criteria provided, multiple submitters, no conflicts (2 of 4 stars). 3 submissions from 3 submitters: Uncertain significance (3). Last evaluated 2026-07-02.

Conditions:
Hereditary cancer-predisposing syndrome. Also called: Neoplastic Syndromes, Hereditary; Hereditary Cancer Syndrome; Tumor predisposition; Hereditary neoplastic syndrome. Identifiers: Orphanet 140162, MedGen C0027672, MeSH D009386, MONDO:0015356.
Hereditary diffuse gastric adenocarcinoma (HDGC). Also called: DIFFUSE GASTRIC AND LOBULAR BREAST CANCER SYNDROME. Identifiers: Orphanet 26106, MedGen C1708349, MONDO:0007648, OMIM 137215.

Allele frequency attached by ClinVar (database versions not stated): gnomAD exomes below 0.00001; ExAC 0.00001.
gnomAD v4.1: 2 of 1,614,114 alleles (0.00012%); highest among the groups gnomAD compares: South Asian, 0.0011%; no homozygotes.

Submissions (3):

Ambry Genetics
Classification: Uncertain significance for Hereditary cancer-predisposing syndrome. Last evaluated: 2026-07-02. Review status: criteria provided, single submitter. Criteria: Ambry Variant Classification Scheme 2023. Collection method: clinical testing. Allele origin: germline.
Comment: The p.N622H variant (also known as c.1864A>C), located in coding exon 12 of the CDH1 gene, results from an A to C substitution at nucleotide position 1864. The asparagine at codon 622 is replaced by histidine, an amino acid with similar properties. This amino acid position is conserved. In addition, this alteration is predicted to be tolerated by in silico analysis. Based on the available evidence, the clinical significance of this variant remains unclear.

Labcorp Genetics (formerly Invitae), Labcorp
Classification: Uncertain significance for Hereditary diffuse gastric adenocarcinoma. Last evaluated: 2021-02-02. Review status: criteria provided, single submitter. Criteria: Invitae Variant Classification Sherloc (09022015). Collection method: clinical testing. Allele origin: germline.
Comment: In summary, the available evidence is currently insufficient to determine the role of this variant in disease. Therefore, it has been classified as a Variant of Uncertain Significance. Algorithms developed to predict the effect of missense changes on protein structure and function (SIFT, PolyPhen-2, Align-GVGD) all suggest that this variant is likely to be tolerated, but these predictions have not been confirmed by published functional studies and their clinical significance is uncertain. This variant has not been reported in the literature in individuals with CDH1-related conditions. ClinVar contains an entry for this variant (Variation ID: 182401). This variant is present in population databases (rs367849039, ExAC 0.001%). This sequence change replaces asparagine with histidine at codon 622 of the CDH1 protein (p.Asn622His). The asparagine residue is highly conserved and there is a small physicochemical difference between asparagine and histidine.

GeneDx
Classification: Uncertain significance. Last evaluated: 2014-08-19. Review status: criteria provided, single submitter. Criteria: GeneDx Variant Classification (06012015). Collection method: clinical testing. Allele origin: germline. Affected: yes.
Comment: This variant is denoted CDH1 c.1864A>C at the cDNA level, p.Asn622His (N622H) at the protein level, and results in the change of an Asparagine to a Histidine (AAT>CAT). This variant has not, to our knowledge, been published in the literature as pathogenic or benign. CDH1 Asn622His was not observed in approximately 6,500 individuals of European and African American ancestry in the NHLBI Exome Sequencing Project, indicating it is not a common benign variant in these populations. Since Asparagine and Histidine differ in some properties, this is considered a semi-conservative amino acid substitution. CDH1 Asn622His occurs at a position that is moderately conserved across species and is located in the EC5 domain (Simoes-Correia 2012, UniProt). In silico analyses predict that this variant is unlikely to alter protein structure or function. Based on currently available information, it is unclear whether CDH1 Asn622His is pathogenic or benign. We consider it to be a variant of uncertain significance.

NM_004360.5(CDH1):c.1864A>C (p.Asn622His)

Gene: CDH1 (cadherin 1; plus strand). Cytogenetic location: 16q22.1.
Variant type: single nucleotide variant.
Coding change: c.1864A>C on transcript NM_004360.5 (MANE Select); coding-DNA position 1864, A replaced by C.
Protein change: p.Asn622His; replaces asparagine 622 with histidine.
Molecular consequence: missense variant. On other transcripts: 5 prime UTR variant (1).
Genome position (GRCh38, 1-based): chr16:68,822,153, A>C. VCF-style: chr16-68822153-A-C. GRCh37 (hg19) VCF-style: chr16-68856056-A-C.
Other names: p.N622H:AAT>CAT; c.1681A>C, p.Asn561His (NM_001317184.2); c.316A>C, p.Asn106His (NM_001317185.2); c.-102A>C (NM_001317186.2); c.1864A>C (LRG_301t1); short protein forms N622H, N106H, N561H.
Identifiers: ClinVar variation 182401 (VCV000182401.12), dbSNP rs367849039, ClinGen allele CA299001.
Genomic context (GRCh38, chr16:68,822,153, plus strand): 5'-TTCTGTGAGAGGAATCCAAAGCCTCAGGTCATAAACATCATTGATGCAGACCTTCCTCCC[A>C]ATACATCTCCCTTCACAGCAGAACTAACACACGGGGCGAGTGCCAACTGGACCATTCAGT-3'
Protein context (NP_004351.1, residues 612-632): INIIDADLPP[Asn622His]TSPFTAELTH